The following is an entry in ClinVar:

NM_000038.6(APC):c.6853G>C (p.Val2285Leu)

Gene: APC (APC regulator of Wnt signaling pathway; plus strand). Cytogenetic location: 5q22.2.
Variant type: single nucleotide variant.
Coding change: c.6853G>C on transcript NM_000038.6 (MANE Select); coding-DNA position 6853, G replaced by C.
Protein change: p.Val2285Leu; replaces valine 2285 with leucine.
Molecular consequence: missense variant. On other transcripts: non-coding transcript variant (2).
Genome position (GRCh38, 1-based): chr5:112,842,447, G>C. VCF-style: chr5-112842447-G-C. GRCh37 (hg19) VCF-style: chr5-112178144-G-C.
Other names: c.6853G>C, p.Val2285Leu (NM_001127510.3, NM_001354895.2, NM_001407450.1); c.6799G>C, p.Val2267Leu (NM_001127511.3); c.6907G>C, p.Val2303Leu (NM_001354896.2, NM_001407447.1, NM_001407448.1 and 1 more transcripts); c.6883G>C, p.Val2295Leu (NM_001354897.2); c.6778G>C, p.Val2260Leu (NM_001354898.2); c.6769G>C, p.Val2257Leu (NM_001354899.2); c.6730G>C, p.Val2244Leu (NM_001354900.2); c.6676G>C, p.Val2226Leu (NM_001354901.2, NM_001407453.1); and 11 more; short protein forms V2267L, V2156L, V2194L, V2257L, V2295L, V2002L, V2125L, V2184L.
Identifiers: ClinVar variation 3635508 (VCV003635508.2).
Genomic context (GRCh38, chr5:112,842,447, plus strand): 5'-CAAACAGCCACCACTTCTCCTAGAGGAGCCAAGCCATCTGTGAAATCAGAATTAAGCCCT[G>C]TTGCCAGGCAGACATCCCAAATAGGTGGGTCAAGTAAAGCACCTTCTAGATCAGGATCTA-3'
Protein context (NP_000029.2, residues 2275-2295): KPSVKSELSP[Val2285Leu]ARQTSQIGGS

ClinVar aggregate classification (germline): Uncertain significance (1 of 4 stars; one submission).

Conditions:
Familial adenomatous polyposis 1 (FAP1). Also called: FAMILIAL ADENOMATOUS POLYPOSIS 1, ATTENUATED; POLYPOSIS, ADENOMATOUS INTESTINAL. Identifiers: MedGen C2713442, MONDO:0021056, OMIM 175100. Disease mechanism: loss of function.

Submission:

Labcorp Genetics (formerly Invitae), Labcorp
Classification: Uncertain significance for Familial adenomatous polyposis 1. Last evaluated: 2024-06-19. Review status: criteria provided, single submitter. Criteria: Invitae Variant Classification Sherloc (09022015). Collection method: clinical testing. Allele origin: germline.
Comment: This sequence change replaces valine, which is neutral and non-polar, with leucine, which is neutral and non-polar, at codon 2285 of the APC protein (p.Val2285Leu). This variant is not present in population databases (gnomAD no frequency). This variant has not been reported in the literature in individuals affected with APC-related conditions. Advanced modeling of protein sequence and biophysical properties (such as structural, functional, and spatial information, amino acid conservation, physicochemical variation, residue mobility, and thermodynamic stability) performed at Invitae indicates that this missense variant is not expected to disrupt APC protein function with a negative predictive value of 95%. In summary, the available evidence is currently insufficient to determine the role of this variant in disease. Therefore, it has been classified as a Variant of Uncertain Significance.